The following is an entry in ClinVar:

ClinVar aggregate classification (germline): Pathogenic (1 of 4 stars; one submission).

Conditions:
Kabuki syndrome. Also called: NIIKAWA-KUROKI SYNDROME; Kabuki make-up syndrome. Identifiers: Orphanet 2322, MedGen C0796004, MONDO:0016512.

Submission:

Labcorp Genetics (formerly Invitae), Labcorp
Classification: Pathogenic for Kabuki syndrome. Last evaluated: 2023-08-27. Review status: criteria provided, single submitter. Criteria: Invitae Variant Classification Sherloc (09022015). Collection method: clinical testing. Allele origin: germline.
Comment: This sequence change creates a premature translational stop signal (p.His4132Profs*36) in the KMT2D gene. It is expected to result in an absent or disrupted protein product. Loss-of-function variants in KMT2D are known to be pathogenic (PMID: 22126750). This variant is not present in population databases (gnomAD no frequency). This variant has not been reported in the literature in individuals affected with KMT2D-related conditions. For these reasons, this variant has been classified as Pathogenic.

Literature cited by the submitters: PubMed 22126750.

NM_003482.4(KMT2D):c.12394dup (p.His4132fs)

Gene: KMT2D (lysine methyltransferase 2D; minus strand). Cytogenetic location: 12q13.12.
Variant type: Duplication.
Coding change: c.12394dup on transcript NM_003482.4 (MANE Select); coding-DNA position 12394, one base duplicated (C; older notation c.12394dupC).
Protein change: p.His4132fs; shifts the reading frame from histidine 4132.
Molecular consequence: frameshift variant.
Genome position (GRCh38, 1-based): chr12:49,032,311, G duplicated on the plus strand (C on the coding strand, the reverse complement: KMT2D is on the minus strand); the first of 4 consecutive G bases (chr12:49,032,311-49,032,314); duplicating any one gives the same sequence. VCF-style (leftmost placement, unchanged base first): chr12-49032310-T-TG. GRCh37 (hg19) VCF-style: chr12-49426093-T-TG.
Other names: short protein forms H4132fs.
Identifiers: ClinVar variation 2755566 (VCV002755566.3), dbSNP rs2498357122, ClinGen allele CA2697559189.
Genomic context (GRCh38, chr12:49,032,310, plus strand): 5'-AGGTTCTGGGTCATGGACCCAGGCTGATCCCCTAAGGAAACAGAGGGCTGAGCCAGCAGG[T>TG]GGGGCACAGATGAGGCCTCAGAAGATGATCCACTGCCTAGCTGCCCATGGCTTCCTCCAC-3'